The following is an entry in ClinVar:

NM_000478.6(ALPL):c.1195G>T (p.Ala399Ser)

Gene: ALPL (alkaline phosphatase, biomineralization associated; plus strand). Cytogenetic location: 1p36.12.
Variant type: single nucleotide variant.
Coding change: c.1195G>T on transcript NM_000478.6 (MANE Select); coding-DNA position 1195, G replaced by T.
Protein change: p.Ala399Ser; replaces alanine 399 with serine.
Molecular consequence: missense variant.
Genome position (GRCh38, 1-based): chr1:21,576,527, G>T. VCF-style: chr1-21576527-G-T. GRCh37 (hg19) VCF-style: chr1-21903020-G-T.
Other names: c.1030G>T, p.Ala344Ser (NM_001127501.4); c.964G>T, p.Ala322Ser (NM_001177520.3); c.1195G>T, p.Ala399Ser (NM_001369803.2, NM_001369804.2, NM_001369805.2); short protein forms A322S, A344S, A399S.
Identifiers: ClinVar variation 1498560 (VCV001498560.38), dbSNP rs2148192290, ClinGen allele CA338881636.

ClinVar aggregate classification (germline): Pathogenic/Likely pathogenic. Review status: criteria provided, multiple submitters, no conflicts (2 of 4 stars). 3 submissions from 3 submitters: Pathogenic (1); Likely pathogenic (2). Last evaluated 2025-08-29.

Conditions:
Hypophosphatasia. Also called: Phosphoethanol-aminuria. Identifiers: Orphanet 436, MedGen C0020630, MeSH D007014, MONDO:0018570.

Submissions (3):

Genomenon, Inc
Classification: Likely pathogenic for Hypophosphatasia. Last evaluated: 2025-08-29. Review status: criteria provided, single submitter. Criteria: Genomenon Sequence Variant Interpretation Standards. Collection method: curation. Allele origin: germline. Affected: yes.
Comment: ALPL p.Ala399Ser (c.1195G>T) is a missense variant that changes the amino acid at residue 399 from Alanine to Serine. This variant has been observed in at least one proband affected with hypophosphatasia (PMID:38884565;11438998). The variant was found to segregate with disease in at least one affected family (PMID:38884565). It is absent or not present at a significant frequency in gnomAD. In silico models agree that this variant is possibly or probably damaging. In conclusion, we classify ALPL p.Ala399Ser (c.1195G>T) as a likely pathogenic variant.

CeGaT Center for Human Genetics Tuebingen
Classification: Pathogenic. Last evaluated: 2025-03-01. Review status: criteria provided, single submitter. Criteria: CeGaT Center For Human Genetics Tuebingen Variant Classification Criteria Version 2. Collection method: clinical testing. Allele origin: germline. Affected: yes. Observed: 2 variant alleles.
Comment: ALPL: PM3:Strong, PM1, PM2, PM5

Labcorp Genetics (formerly Invitae), Labcorp
Classification: Likely pathogenic. Last evaluated: 2021-07-31. Review status: criteria provided, single submitter. Criteria: Invitae Variant Classification Sherloc (09022015). Collection method: clinical testing. Allele origin: germline.
Comment: This sequence change replaces alanine with serine at codon 399 of the ALPL protein (p.Ala399Ser). The alanine residue is moderately conserved and there is a moderate physicochemical difference between alanine and serine. This variant is not present in population databases (ExAC no frequency). This missense change has been observed in individual(s) with hypophosphatasia (PMID: 11438998). This variant is also known as A382S. Advanced modeling of protein sequence and biophysical properties (such as structural, functional, and spatial information, amino acid conservation, physicochemical variation, residue mobility, and thermodynamic stability) performed at Invitae indicates that this missense variant is expected to disrupt ALPL protein function. This variant disrupts the p.Ala399 amino acid residue in ALPL. Other variant(s) that disrupt this residue have been observed in individuals with ALPL-related conditions (PMID: 17253930, 32160374), which suggests that this may be a clinically significant amino acid residue. In summary, the currently available evidence indicates that the variant is pathogenic, but additional data are needed to prove that conclusively. Therefore, this variant has been classified as Likely Pathogenic.

Literature cited by the submitters: PubMed 38884565 (cited by Genomenon, Inc); PubMed 11438998 (cited by Genomenon, Inc and Labcorp Genetics (formerly Invitae), Labcorp); PubMed 17253930 (cited by Labcorp Genetics (formerly Invitae), Labcorp); PubMed 32160374 (cited by Labcorp Genetics (formerly Invitae), Labcorp).